The following is an entry in ClinVar:

NM_003119.4(SPG7):c.1586C>T (p.Ala529Val)

Gene: SPG7 (SPG7 matrix AAA peptidase subunit, paraplegin; plus strand). Cytogenetic location: 16q24.3.
Variant type: single nucleotide variant.
Coding change: c.1586C>T on transcript NM_003119.4 (MANE Select); coding-DNA position 1586, C replaced by T.
Protein change: p.Ala529Val; replaces alanine 529 with valine.
Molecular consequence: missense variant.
Genome position (GRCh38, 1-based): chr16:89,548,036, C>T. VCF-style: chr16-89548036-C-T. GRCh37 (hg19) VCF-style: chr16-89614444-C-T.
Other names: p.A529V:GCG>GTG; c.1586C>T, p.Ala529Val (NM_001363850.1); short protein forms A529V.
Identifiers: ClinVar variation 215208 (VCV000215208.45), dbSNP rs748600162, ClinGen allele CA324092.
Genomic context (GRCh38, chr16:89,548,036, plus strand): 5'-CCACACCGTGGCTGTTTGTGTTGACAGGGGCTGACATCGCCAACATCTGCAATGAGGCTG[C>T]GCTGCACGCGGCGCGGGAGGGACACACTTCCGTGCACACTCTCAACTTCGAGTACGCCGT-3'
Protein context (NP_003110.1, residues 519-539): ADIANICNEA[Ala529Val]LHAAREGHTS

ClinVar aggregate classification (germline): Conflicting classifications of pathogenicity. Review status: criteria provided, conflicting classifications (1 of 4 stars). 2 submissions from 2 submitters: Likely pathogenic (1); Uncertain significance (1). Last evaluated 2018-07-01.

Allele frequency attached by ClinVar (database versions not stated): ExAC 0.00001; gnomAD exomes 0.00002 and 0.00003; TOPMed 0.00009; gnomAD 0.00010 and 0.00011.
gnomAD v4.1: 40 of 1,612,298 alleles (0.0025%); highest among the groups gnomAD compares: Admixed American, 0.038%; no homozygotes.

Submissions (2):

CeGaT Center for Human Genetics Tuebingen
Classification: Uncertain significance. Last evaluated: 2018-07-01. Review status: criteria provided, single submitter. Criteria: CeGaT Center For Human Genetics Tuebingen Variant Classification Criteria Version 2. Collection method: clinical testing. Allele origin: germline. Affected: yes. Observed: 1 variant allele.

GeneDx
Classification: Likely pathogenic. Last evaluated: 2013-02-15. Review status: criteria provided, single submitter. Criteria: GeneDx Variant Classification (06012015). Collection method: clinical testing. Allele origin: germline. Affected: yes.
Comment: p.Ala529Val (GCG>GTG): c.1586 C>T in exon 12 of the SPG7 gene (NM_003119.2) A A529V missense change that is likely pathogenic was identified in the SPG7 gene. It has not been published as a mutation, nor has it been reported as a benign polymorphism to our knowledge. The A529V amino acid change is conservative in that both Alanine and Valine are uncharged, non-polar amnio acids. However, this change occurs at a highly conserved position in the SPG7 protein, and multiple in-silico analysis programs predict that A529V is damaging to the SPG7 protein. Therefore, A529V is a strong candidate for a disease-causing mutation, however the possibility that it is a benign variant cannot be excluded. The variant is found in MITONUC-MITOP panel(s).